The following is an entry in ClinVar:

ClinVar aggregate classification (germline): Likely pathogenic. Review status: criteria provided, multiple submitters, no conflicts (2 of 4 stars). 2 submissions from 2 submitters: Likely pathogenic (2). Last evaluated 2026-01-15.

Conditions:
Intellectual disability, autosomal dominant 14 (CSS2). Also called: COFFIN-SIRIS SYNDROME 2. Identifiers: Orphanet 1465, MedGen C3553247, MONDO:0013819, OMIM 614607.

gnomAD v4.1: 2 of 1,614,152 alleles (0.00012%); 1 homozygote.

Submissions (2):

3billion
Classification: Likely pathogenic for Intellectual disability, autosomal dominant 14. Last evaluated: 2026-01-15. Review status: criteria provided, single submitter. Criteria: ACMG Guidelines, 2015. Collection method: clinical testing. Allele origin: germline. Affected: yes.
Comment: The variant is observed at an extremely low frequency in the gnomAD v4.1.0 dataset (total allele frequency: <0.001%). Predicted Consequence/Location: The variant is located in a mutational hot spot and/or well-established functional domain in which established pathogenic variants have been reported (PMID: 24185513, 34671561). In silico tool predictions suggest damaging effect of the variant on gene or gene product [3Cnet: 0.91 (> 0.75, sensitivity 0.96 and precision 0.92)]. The same nucleotide change resulting in the same amino acid change has been previously reported to be associated with ARID1A-related disorder (PMID: 33249554). Different missense changes at the same codon (p.Arg1020Thr, p.Arg1020Trp) have been reported to be associated with ARID1A-related disorder (ClinVar ID: VCV001699033 /PMID: 37500730). Therefore, this variant is classified as Likely pathogenic according to the recommendation of ACMG/AMP guideline.

GeneDx
Classification: Likely pathogenic. Last evaluated: 2025-07-03. Review status: criteria provided, single submitter. Criteria: GeneDx Variant Classification Process June 2021. Collection method: clinical testing. Allele origin: germline. Affected: yes.
Comment: Not observed at significant frequency in large population cohorts (gnomAD); In silico analysis supports that this missense variant has a deleterious effect on protein structure/function; This variant is associated with the following publications: (PMID: 33249554)

Literature cited by the submitters: PubMed 33249554 (cited by 3billion); PubMed 37500730 (cited by 3billion).

NM_006015.6(ARID1A):c.3059G>A (p.Arg1020Lys)

Gene: ARID1A (AT-rich interaction domain 1A; plus strand). Cytogenetic location: 1p36.11.
Variant type: single nucleotide variant.
Coding change: c.3059G>A on transcript NM_006015.6 (MANE Select); coding-DNA position 3059, G replaced by A.
Protein change: p.Arg1020Lys; replaces arginine 1020 with lysine.
Molecular consequence: missense variant.
Genome position (GRCh38, 1-based): chr1:26,767,860, G>A. VCF-style: chr1-26767860-G-A. GRCh37 (hg19) VCF-style: chr1-27094351-G-A.
Other names: c.3059G>A, p.Arg1020Lys (NM_139135.4); short protein forms R1020K.
Identifiers: ClinVar variation 4680906 (VCV004680906.2).